The following is an entry in ClinVar:

ClinVar aggregate classification (germline): Benign/Likely benign. Review status: criteria provided, multiple submitters, no conflicts (2 of 4 stars). 2 submissions from 2 submitters: Benign (1); Likely benign (1). Last evaluated 2023-07-01.

Allele frequency attached by ClinVar (database versions not stated): 1000 Genomes Project 30x 0.00078; 1000 Genomes Project 0.00080; gnomAD 0.00164 and 0.00165; gnomAD exomes 0.00171; TOPMed 0.00178; ExAC 0.00184; ESP Exome Variant Server 0.00200.
gnomAD v4.1: 4,459 of 1,614,062 alleles (0.28%); highest among the groups gnomAD compares: Non-Finnish European, 0.34%; 8 homozygotes.

Submissions (2):

CeGaT Center for Human Genetics Tuebingen
Classification: Likely benign. Last evaluated: 2023-07-01. Review status: criteria provided, single submitter. Criteria: CeGaT Center For Human Genetics Tuebingen Variant Classification Criteria Version 2. Collection method: clinical testing. Allele origin: germline. Affected: yes. Observed: 1 variant allele.
Comment: PNN: BP4, BP7

Labcorp Genetics (formerly Invitae), Labcorp
Classification: Benign. Last evaluated: 2018-02-02. Review status: criteria provided, single submitter. Criteria: Invitae Variant Classification Sherloc (09022015). Collection method: clinical testing. Allele origin: germline.

NM_002687.4(PNN):c.553A>C (p.Arg185=)

Gene: PNN (pinin, desmosome associated protein; plus strand). Cytogenetic location: 14q21.1.
Variant type: single nucleotide variant.
Coding change: c.553A>C on transcript NM_002687.4 (MANE Select); coding-DNA position 553, A replaced by C.
Protein change: p.Arg185=; no amino-acid change (arginine 185 retained).
Molecular consequence: synonymous variant.
Genome position (GRCh38, 1-based): chr14:39,179,145, A>C. VCF-style: chr14-39179145-A-C. GRCh37 (hg19) VCF-style: chr14-39648349-A-C.
Identifiers: ClinVar variation 788117 (VCV000788117.27), dbSNP rs141299673, ClinGen allele CA7163157.